The following is an entry in ClinVar:

ClinVar aggregate classification (germline): Uncertain significance (1 of 4 stars; one submission).

Conditions:
Congenital neutropenia-myelofibrosis-nephromegaly syndrome. Also called: Severe congenital neutropenia 5, autosomal recessive. Identifiers: Orphanet 369852, MedGen C3809031, MONDO:0014118, OMIM 615285.

gnomAD v4.1: 1 of 1,606,004 alleles (0.000062%); highest among the groups gnomAD compares: East Asian, 0.0022%; no homozygotes.

Submission:

Labcorp Genetics (formerly Invitae), Labcorp
Classification: Uncertain significance for Congenital neutropenia-myelofibrosis-nephromegaly syndrome. Last evaluated: 2024-12-19. Review status: criteria provided, single submitter. Criteria: Invitae Variant Classification Sherloc (09022015). Collection method: clinical testing. Allele origin: germline.
Comment: This sequence change falls in intron 6 of the VPS45 gene. It does not directly change the encoded amino acid sequence of the VPS45 protein. It affects a nucleotide within the consensus splice site. The frequency data for this variant in the population databases is considered unreliable, as metrics indicate poor data quality at this position in the gnomAD database. This variant has not been reported in the literature in individuals affected with VPS45-related conditions. Variants that disrupt the consensus splice site are a relatively common cause of aberrant splicing (PMID: 17576681, 9536098). Algorithms developed to predict the effect of sequence changes on RNA splicing suggest that this variant is not likely to affect RNA splicing. In summary, the available evidence is currently insufficient to determine the role of this variant in disease. Therefore, it has been classified as a Variant of Uncertain Significance.

Literature cited by the submitters: PubMed 17576681; PubMed 9536098.

NM_007259.5(VPS45):c.576+6G>A

Gene: VPS45 (vacuolar protein sorting 45 homolog; plus strand). Cytogenetic location: 1q21.2.
Variant type: single nucleotide variant.
Coding change: c.576+6G>A on transcript NM_007259.5 (MANE Select); 6 bases into the intron after coding-DNA position 576, G replaced by A.
Molecular consequence: intron variant.
Genome position (GRCh38, 1-based): chr1:150,077,237, G>A. VCF-style: chr1-150077237-G-A. GRCh37 (hg19) VCF-style: chr1-150049315-G-A.
Other names: c.262-432G>A (NM_001279353.2); c.468+6G>A (NM_001279354.2).
Identifiers: ClinVar variation 3700897 (VCV003700897.2).